The following is an entry in ClinVar:

ClinVar aggregate classification (germline): Uncertain significance (1 of 4 stars; one submission).

Allele frequency attached by ClinVar (database versions not stated): gnomAD exomes below 0.00001; gnomAD 0.00001; TOPMed 0.00001.
gnomAD v4.1: 6 of 1,609,278 alleles (0.00037%); highest among the groups gnomAD compares: Middle Eastern, 0.017%; no homozygotes.

Submission:

CeGaT Center for Human Genetics Tuebingen
Classification: Uncertain significance. Last evaluated: 2022-10-01. Review status: criteria provided, single submitter. Criteria: CeGaT Center For Human Genetics Tuebingen Variant Classification Criteria Version 2. Collection method: clinical testing. Allele origin: germline. Affected: yes. Observed: 1 variant allele.
Comment: RORA: PM2

NM_134261.3(RORA):c.197-26453A>G

Genes: RORA (RAR related orphan receptor A; minus strand), RORA-AS1 (RORA antisense RNA 1; plus strand). Cytogenetic location: 15q22.2.
Variant type: single nucleotide variant.
Coding change: c.197-26453A>G on transcript NM_134261.3 (MANE Select); 26453 bases into the intron before coding-DNA position 197, A replaced by G.
Molecular consequence: intron variant. On other transcripts: missense variant (1).
Genome position (GRCh38, 1-based): chr15:60,558,304, T>C on the plus strand (A>G on the coding strand, the complement: RORA is on the minus strand). VCF-style: chr15-60558304-T-C. GRCh37 (hg19) VCF-style: chr15-60850503-T-C.
Other names: c.140A>G, p.Asp47Gly (NM_134260.3); c.272-26453A>G (NM_002943.4); c.32-26453A>G (NM_134262.3); short protein forms D47G.
Identifiers: ClinVar variation 2645394 (VCV002645394.24), dbSNP rs1283764465, ClinGen allele CA392669034.
Genomic context (GRCh38, chr15:60,558,304, plus strand): 5'-AAAGCATCACCTGAAGACAGGATACACTGATGGAGTATTTGGAGAATCCCAAAAAGTTCA[T>C]CCCTGGAACGAAAATGATAGCCTATCTCAAAAAAGCTACTAATGGGCATTAATTAGTTGG-3'